The following is an entry in ClinVar:

NM_000044.6(AR):c.1885+4A>T

Gene: AR (androgen receptor; plus strand). Cytogenetic location: Xq12.
Variant type: single nucleotide variant.
Coding change: c.1885+4A>T on transcript NM_000044.6 (MANE Select); 4 bases into the intron after coding-DNA position 1885, A replaced by T.
Molecular consequence: intron variant.
Genome position (GRCh38, 1-based): chrX:67,686,130, A>T. VCF-style: chrX-67686130-A-T. GRCh37 (hg19) VCF-style: chrX-66905972-A-T.
Other names: c.289+4A>T (NM_001011645.3); c.1885+4A>T (NM_001348061.1, NM_001348063.1); c.*83+4A>T (NM_001348064.1).
Identifiers: ClinVar variation 1196069 (VCV001196069.5), dbSNP rs372585782, ClinGen allele CA10436530.
Genomic context (GRCh38, chrX:67,686,130, plus strand): 5'-AAAATTGTCCATCTTGTCGTCTTCGGAAATGTTATGAAGCAGGGATGACTCTGGGAGGTA[A>T]GATACTTTTCTTTCTCTTCCTCCTCCTTCCTCTCTCCCCCTTCTCCCTCATTTTCTAGTC-3'

ClinVar aggregate classification (germline): Conflicting classifications of pathogenicity. Review status: criteria provided, conflicting classifications (1 of 4 stars). 2 submissions from 2 submitters: Uncertain significance (1); Likely benign (1). Last evaluated 2023-07-12.

Conditions:
Androgen resistance syndrome (AIS). Also called: ANDROGEN RECEPTOR DEFICIENCY; DIHYDROTESTOSTERONE RECEPTOR DEFICIENCY; Androgen insensitivity; TESTICULAR FEMINIZATION SYNDROME; Androgen insensitivity syndrome; Androgen insensitivity, complete. Identifiers: Orphanet 754, Orphanet 99429, MedGen C0039585, MONDO:0019154, OMIM 300068. Disease mechanism: loss of function.
Kennedy disease (SMAX1). Also called: SPINAL AND BULBAR MUSCULAR ATROPHY, X-LINKED 1; KENNEDY SPINAL AND BULBAR MUSCULAR ATROPHY; Spinal and Bulbar Muscular Atrophy. Identifiers: Orphanet 481, MedGen C1839259, MONDO:0010735, OMIM 313200.

Allele frequency attached by ClinVar (database versions not stated): ExAC 0.00001; TOPMed 0.00002; gnomAD exomes 0.00003 and 0.00006; gnomAD 0.00004 and 0.00005; ESP Exome Variant Server 0.00009.
gnomAD v4.1: 65 of 1,202,721 alleles (0.0054%); highest among the groups gnomAD compares: Non-Finnish European, 0.0071%; no homozygotes.

Submissions (2):

Labcorp Genetics (formerly Invitae), Labcorp
Classification: Likely benign for Kennedy disease; Androgen resistance syndrome. Last evaluated: 2023-07-12. Review status: criteria provided, single submitter. Criteria: Invitae Variant Classification Sherloc (09022015). Collection method: clinical testing. Allele origin: germline.

GeneDx
Classification: Uncertain significance. Last evaluated: 2019-12-12. Review status: criteria provided, single submitter. Criteria: GeneDx Variant Classification Process June 2021. Collection method: clinical testing. Allele origin: germline. Affected: yes.
Comment: Has not been previously published as pathogenic or benign to our knowledge; In-silico analysis, which includes splice predictors and evolutionary conservation, is inconclusive as to whether the variant alters gene splicing. In the absence of RNA/functional studies, the actual effect of this sequence change is unknown.